The following is an entry in ClinVar:

ClinVar aggregate classification (germline): Likely benign (1 of 4 stars; one submission).

Allele frequency attached by ClinVar (database versions not stated): gnomAD exomes below 0.00001.
gnomAD v4.1: 1 of 1,613,884 alleles (0.000062%); highest among the groups gnomAD compares: Non-Finnish European, 0.000085%; no homozygotes.

Submission:

CeGaT Center for Human Genetics Tuebingen
Classification: Likely benign. Last evaluated: 2022-12-01. Review status: criteria provided, single submitter. Criteria: CeGaT Center For Human Genetics Tuebingen Variant Classification Criteria Version 2. Collection method: clinical testing. Allele origin: germline. Affected: yes. Observed: 1 variant allele.
Comment: PLEC: PM2:Supporting, BP4, BP7

NM_201384.3(PLEC):c.8646G>A (p.Leu2882=)

Gene: PLEC (plectin; minus strand). Cytogenetic location: 8q24.3.
Variant type: single nucleotide variant.
Coding change: c.8646G>A on transcript NM_201384.3 (MANE Select); coding-DNA position 8646, G replaced by A.
Protein change: p.Leu2882=; no amino-acid change (leucine 2882 retained).
Molecular consequence: synonymous variant.
Genome position (GRCh38, 1-based): chr8:143,921,175, C>T on the plus strand (G>A on the coding strand, the complement: PLEC is on the minus strand). VCF-style: chr8-143921175-C-T. GRCh37 (hg19) VCF-style: chr8-144995343-C-T.
Other names: c.8727G>A, p.Leu2909= (NM_000445.5); c.5346G>A, p.Leu1782= (NM_001410941.1); c.8604G>A, p.Leu2868= (NM_201378.4); c.8580G>A, p.Leu2860= (NM_201379.3); c.9057G>A, p.Leu3019= (NM_201380.4); c.8550G>A, p.Leu2850= (NM_201381.3); c.8646G>A, p.Leu2882= (NM_201382.4); c.8658G>A, p.Leu2886= (NM_201383.3).
Identifiers: ClinVar variation 2658945 (VCV002658945.24), dbSNP rs2537446443, ClinGen allele CA463531217.